The following is an entry in ClinVar:

ClinVar aggregate classification (germline): Likely benign (1 of 4 stars; one submission).

Allele frequency attached by ClinVar (database versions not stated): gnomAD exomes 0.00002; TOPMed below 0.00001; gnomAD 0.00001; ExAC 0.00002.
gnomAD v4.1: 32 of 1,613,994 alleles (0.002%); highest among the groups gnomAD compares: Middle Eastern, 0.25%; no homozygotes.

Submission:

CeGaT Center for Human Genetics Tuebingen
Classification: Likely benign. Last evaluated: 2023-08-01. Review status: criteria provided, single submitter. Criteria: CeGaT Center For Human Genetics Tuebingen Variant Classification Criteria Version 2. Collection method: clinical testing. Allele origin: germline. Affected: yes. Observed: 1 variant allele.
Comment: CUX1: BP4, BP7

NM_181552.4(CUX1):c.2178T>G (p.Pro726=)

Gene: CUX1 (cut like homeobox 1; plus strand). Cytogenetic location: 7q22.1.
Variant type: single nucleotide variant.
Coding change: c.2178T>G on transcript NM_181552.4 (MANE Select); coding-DNA position 2178, T replaced by G.
Protein change: p.Pro726=; no amino-acid change (proline 726 retained).
Molecular consequence: synonymous variant. On other transcripts: intron variant (5).
Genome position (GRCh38, 1-based): chr7:102,201,475, T>G. VCF-style: chr7-102201475-T-G. GRCh37 (hg19) VCF-style: chr7-101844755-T-G.
Other names: c.1138+5872T>G (NM_001202546.3); c.2211T>G, p.Pro737= (NM_001202543.2); c.1255+5872T>G (NM_001913.5); c.1249+5872T>G (NM_181500.4); c.1117+5872T>G (NM_001202545.3); c.1207+5872T>G (NM_001202544.3).
Identifiers: ClinVar variation 2657866 (VCV002657866.24), dbSNP rs782144596, ClinGen allele CA4411005.